The following is an entry in ClinVar:

NM_020964.3(EPG5):c.2957C>T (p.Pro986Leu)

Gene: EPG5 (ectopic P-granules 5 autophagy tethering factor; minus strand). Cytogenetic location: 18q21.1.
Variant type: single nucleotide variant.
Coding change: c.2957C>T on transcript NM_020964.3 (MANE Select); coding-DNA position 2957, C replaced by T.
Protein change: p.Pro986Leu; replaces proline 986 with leucine.
Molecular consequence: missense variant.
Genome position (GRCh38, 1-based): chr18:45,922,482, G>A on the plus strand (C>T on the coding strand, the complement: EPG5 is on the minus strand). VCF-style: chr18-45922482-G-A. GRCh37 (hg19) VCF-style: chr18-43502448-G-A.
Other names: short protein forms P986L.
Identifiers: ClinVar variation 1374129 (VCV001374129.9), dbSNP rs1301596513, ClinGen allele CA402344269.

ClinVar aggregate classification (germline): Uncertain significance (1 of 4 stars; one submission).

Conditions:
Vici syndrome (VICIS). Identifiers: Orphanet 1493, MedGen C1855772, MONDO:0009452, OMIM 242840.

Allele frequency attached by ClinVar (database versions not stated): gnomAD exomes below 0.00001; gnomAD 0.00001; TOPMed 0.00002.
gnomAD v4.1: 9 of 1,614,036 alleles (0.00056%); highest among the groups gnomAD compares: South Asian, 0.0033%; no homozygotes.

Submission:

Labcorp Genetics (formerly Invitae), Labcorp
Classification: Uncertain significance for Vici syndrome. Last evaluated: 2025-04-21. Review status: criteria provided, single submitter. Criteria: Invitae Variant Classification Sherloc (09022015). Collection method: clinical testing. Allele origin: germline.
Comment: This sequence change replaces proline, which is neutral and non-polar, with leucine, which is neutral and non-polar, at codon 986 of the EPG5 protein (p.Pro986Leu). This variant is present in population databases (no rsID available, gnomAD 0.0009%). This variant has not been reported in the literature in individuals affected with EPG5-related conditions. ClinVar contains an entry for this variant (Variation ID: 1374129). Invitae Evidence Modeling of protein sequence and biophysical properties (such as structural, functional, and spatial information, amino acid conservation, physicochemical variation, residue mobility, and thermodynamic stability) indicates that this missense variant is not expected to disrupt EPG5 protein function with a negative predictive value of 80%. In summary, the available evidence is currently insufficient to determine the role of this variant in disease. Therefore, it has been classified as a Variant of Uncertain Significance.